The following is an entry in ClinVar:

NM_001482.3(GATM):c.1000G>A (p.Gly334Arg)

Gene: GATM (glycine amidinotransferase; minus strand). Cytogenetic location: 15q21.1.
Variant type: single nucleotide variant.
Coding change: c.1000G>A on transcript NM_001482.3 (MANE Select); coding-DNA position 1000, G replaced by A.
Protein change: p.Gly334Arg; replaces glycine 334 with arginine.
Molecular consequence: missense variant.
Genome position (GRCh38, 1-based): chr15:45,364,839, C>T on the plus strand (G>A on the coding strand, the complement: GATM is on the minus strand). VCF-style: chr15-45364839-C-T. GRCh37 (hg19) VCF-style: chr15-45657037-C-T.
Other names: c.613G>A, p.Gly205Arg (NM_001321015.2); short protein forms G205R, G334R.
Identifiers: ClinVar variation 1431172 (VCV001431172.6), dbSNP rs749007953, ClinGen allele CA7542805.

ClinVar aggregate classification (germline): Uncertain significance. Review status: criteria provided, multiple submitters, no conflicts (2 of 4 stars). 2 submissions from 2 submitters: Uncertain significance (2). Last evaluated 2024-07-17.

Conditions:
Arginine:glycine amidinotransferase deficiency (CCDS3). Also called: AGAT deficiency; L-Arginine:Glycine Amidinotransferase Deficiency; Creatine deficiency syndrome due to AGAT deficiency; GATM deficiency; L-Arginine:Glycine Amidinotransferase (AGAT) Deficiency; Cerebral creatine deficiency syndrome 3. Identifiers: Orphanet 35704, MedGen C2675179, MONDO:0012996, OMIM 612718.
Fanconi renotubular syndrome 1. Also called: Toni-Debre-Fanconi syndrome; Neonatal De Toni-Debre-Fanconi syndrome; De Toni-Fanconi syndrome; LUDER-SHELDON SYNDROME; FRTS1. Identifiers: MedGen C4551503, MONDO:0024525, OMIM 134600.

Allele frequency attached by ClinVar (database versions not stated): ExAC 0.00002; TOPMed 0.00002.
gnomAD v4.1: 11 of 1,613,946 alleles (0.00068%); highest among the groups gnomAD compares: Admixed American, 0.0033%; no homozygotes.

Submissions (2):

Labcorp Genetics (formerly Invitae), Labcorp
Classification: Uncertain significance for Arginine:glycine amidinotransferase deficiency. Last evaluated: 2024-07-17. Review status: criteria provided, single submitter. Criteria: Invitae Variant Classification Sherloc (09022015). Collection method: clinical testing. Allele origin: germline.
Comment: This sequence change replaces glycine, which is neutral and non-polar, with arginine, which is basic and polar, at codon 334 of the GATM protein (p.Gly334Arg). This variant is present in population databases (rs749007953, gnomAD 0.006%). This variant has not been reported in the literature in individuals affected with GATM-related conditions. ClinVar contains an entry for this variant (Variation ID: 1431172). Advanced modeling of protein sequence and biophysical properties (such as structural, functional, and spatial information, amino acid conservation, physicochemical variation, residue mobility, and thermodynamic stability) has been performed at Invitae for this missense variant, however the output from this modeling did not meet the statistical confidence thresholds required to predict the impact of this variant on GATM protein function. In summary, the available evidence is currently insufficient to determine the role of this variant in disease. Therefore, it has been classified as a Variant of Uncertain Significance.

Fulgent Genetics
Classification: Uncertain significance for Fanconi renotubular syndrome 1; Arginine:glycine amidinotransferase deficiency. Last evaluated: 2024-04-23. Review status: criteria provided, single submitter. Criteria: ACMG Guidelines, 2015. Collection method: clinical testing. Allele origin: germline.